The following is an entry in ClinVar:

ClinVar aggregate classification (germline): Uncertain significance (1 of 4 stars; one submission).

Conditions:
Cardiovascular phenotype. Identifiers: MedGen CN230736.

Submission:

Ambry Genetics
Classification: Uncertain significance for Cardiovascular phenotype. Last evaluated: 2022-12-01. Review status: criteria provided, single submitter. Criteria: Ambry Variant Classification Scheme 2023. Collection method: clinical testing. Allele origin: germline.
Comment: The p.D1280N variant (also known as c.3838G>A), located in coding exon 28 of the LAMA4 gene, results from a G to A substitution at nucleotide position 3838. The aspartic acid at codon 1280 is replaced by asparagine, an amino acid with highly similar properties. This amino acid position is conserved. In addition, this alteration is predicted to be tolerated by in silico analysis. Since supporting evidence is limited at this time, the clinical significance of this alteration remains unclear.

NM_001105206.3(LAMA4):c.3859G>A (p.Asp1287Asn)

Gene: LAMA4 (laminin subunit alpha 4; minus strand). Cytogenetic location: 6q21.
Variant type: single nucleotide variant.
Coding change: c.3859G>A on transcript NM_001105206.3 (MANE Select); coding-DNA position 3859, G replaced by A.
Protein change: p.Asp1287Asn; replaces aspartic acid 1287 with asparagine.
Molecular consequence: missense variant.
Genome position (GRCh38, 1-based): chr6:112,131,077, C>T on the plus strand (G>A on the coding strand, the complement: LAMA4 is on the minus strand). VCF-style: chr6-112131077-C-T. GRCh37 (hg19) VCF-style: chr6-112452279-C-T.
Other names: c.3838G>A, p.Asp1280Asn (NM_001105207.3, NM_002290.5); short protein forms D1287N, D1280N.
Identifiers: ClinVar variation 2447550 (VCV002447550.2), dbSNP rs1779006168, ClinGen allele CA365374306.